The following is an entry in ClinVar:

ClinVar aggregate classification (germline): Uncertain significance. Review status: criteria provided, multiple submitters, no conflicts (2 of 4 stars). 2 submissions from 2 submitters: Uncertain significance (2). Last evaluated 2022-11-01.

Allele frequency attached by ClinVar (database versions not stated): gnomAD 0.00004 and 0.00005; TOPMed 0.00005; gnomAD exomes 0.00007 and 0.00008; ExAC 0.00010.
gnomAD v4.1: 116 of 1,613,652 alleles (0.0072%); highest among the groups gnomAD compares: South Asian, 0.051%; 1 homozygote.

Submissions (2):

CeGaT Center for Human Genetics Tuebingen
Classification: Uncertain significance. Last evaluated: 2022-11-01. Review status: criteria provided, single submitter. Criteria: CeGaT Center For Human Genetics Tuebingen Variant Classification Criteria Version 2. Collection method: clinical testing. Allele origin: germline. Affected: yes. Observed: 3 variant alleles.
Comment: SLC25A12: PM2:Supporting, PP3

Labcorp Genetics (formerly Invitae), Labcorp
Classification: Uncertain significance. Last evaluated: 2022-09-27. Review status: criteria provided, single submitter. Criteria: Invitae Variant Classification Sherloc (09022015). Collection method: clinical testing. Allele origin: germline.
Comment: This sequence change replaces leucine, which is neutral and non-polar, with arginine, which is basic and polar, at codon 332 of the SLC25A12 protein (p.Leu332Arg). This variant is present in population databases (rs200754828, gnomAD 0.04%), including at least one homozygous and/or hemizygous individual. This variant has not been reported in the literature in individuals affected with SLC25A12-related conditions. ClinVar contains an entry for this variant (Variation ID: 808886). Advanced modeling of protein sequence and biophysical properties (such as structural, functional, and spatial information, amino acid conservation, physicochemical variation, residue mobility, and thermodynamic stability) performed at Invitae indicates that this missense variant is expected to disrupt SLC25A12 protein function. In summary, the available evidence is currently insufficient to determine the role of this variant in disease. Therefore, it has been classified as a Variant of Uncertain Significance.

NM_003705.5(SLC25A12):c.995T>G (p.Leu332Arg)

Gene: SLC25A12 (solute carrier family 25 member 12; minus strand). Cytogenetic location: 2q31.1.
Variant type: single nucleotide variant.
Coding change: c.995T>G on transcript NM_003705.5 (MANE Select); coding-DNA position 995, T replaced by G.
Protein change: p.Leu332Arg; replaces leucine 332 with arginine.
Molecular consequence: missense variant. On other transcripts: non-coding transcript variant (1).
Genome position (GRCh38, 1-based): chr2:171,815,138, A>C on the plus strand (T>G on the coding strand, the complement: SLC25A12 is on the minus strand). VCF-style: chr2-171815138-A-C. GRCh37 (hg19) VCF-style: chr2-172671648-A-C.
Other names: short protein forms L332R.
Identifiers: ClinVar variation 808886 (VCV000808886.45), dbSNP rs200754828, ClinGen allele CA1966244.